The following is an entry in ClinVar:

ClinVar aggregate classification (germline): Likely benign. Review status: criteria provided, single submitter (1 of 4 stars). 2 submissions from 2 submitters: Likely benign (1). 1 of the submissions does not count toward it. Last evaluated 2018-03-30.

Conditions:
PARP1-related disorder. Also called: PARP1-related condition.

Allele frequency attached by ClinVar (database versions not stated): gnomAD exomes 0.00017 and 0.00052; ExAC 0.00055; 1000 Genomes Project 0.00140; 1000 Genomes Project 30x 0.00141; gnomAD 0.00201 and 0.00216; TOPMed 0.00231; ESP Exome Variant Server 0.00238.
gnomAD v4.1: 569 of 1,614,008 alleles (0.035%); highest among the groups gnomAD compares: African/African-American, 0.67%; 2 homozygotes.

Submissions (2):

Labcorp Genetics (formerly Invitae), Labcorp
Classification: Likely benign. Last evaluated: 2018-03-30. Review status: criteria provided, single submitter. Criteria: Invitae Variant Classification Sherloc (09022015). Collection method: clinical testing. Allele origin: germline.

PreventionGenetics, part of Exact Sciences
Classification: Likely benign for PARP1-related condition. Last evaluated: 2019-03-08. Review status: no assertion criteria provided. Collection method: clinical testing. Allele origin: germline. Not counted in ClinVar's aggregate classification.
Comment: This variant is classified as likely benign based on ACMG/AMP sequence variant interpretation guidelines (Richards et al. 2015 PMID: 25741868, with internal and published modifications).

NM_001618.4(PARP1):c.1000G>A (p.Val334Ile)

Gene: PARP1 (poly(ADP-ribose) polymerase 1; minus strand). Cytogenetic location: 1q42.12.
Variant type: single nucleotide variant.
Coding change: c.1000G>A on transcript NM_001618.4 (MANE Select); coding-DNA position 1000, G replaced by A.
Protein change: p.Val334Ile; replaces valine 334 with isoleucine.
Molecular consequence: missense variant.
Genome position (GRCh38, 1-based): chr1:226,385,515, C>T on the plus strand (G>A on the coding strand, the complement: PARP1 is on the minus strand). VCF-style: chr1-226385515-C-T. GRCh37 (hg19) VCF-style: chr1-226573216-C-T.
Other names: short protein forms V334I.
Identifiers: ClinVar variation 737642 (VCV000737642.5), dbSNP rs3219057, ClinGen allele CA1422969.
Genomic context (GRCh38, chr1:226,385,515, plus strand): 5'-GGCCAGGTTTTTCTCCCAACAGATCCCAGGATCTTCCCCTACCCCTTACCTTTGGGGTTA[C>T]CCACTCCTTCCGGTTGGGTGTCTGTGTCTTGACCATACACTTGGTCCAGGCAGTGACGTC-3'
Protein context (NP_001609.2, residues 324-344): KTQTPNRKEW[Val334Ile]TPKEFREISY